The following is an entry in ClinVar:

NM_001019.5(RPS15A):c.140T>C (p.Ile47Thr)

Gene: RPS15A (ribosomal protein S15a; minus strand). Cytogenetic location: 16p12.3.
Variant type: single nucleotide variant.
Coding change: c.140T>C on transcript NM_001019.5 (MANE Select); coding-DNA position 140, T replaced by C.
Protein change: p.Ile47Thr; replaces isoleucine 47 with threonine.
Molecular consequence: missense variant.
Genome position (GRCh38, 1-based): chr16:18,788,136, A>G on the plus strand (T>C on the coding strand, the complement: RPS15A is on the minus strand). VCF-style: chr16-18788136-A-G. GRCh37 (hg19) VCF-style: chr16-18799458-A-G.
Other names: c.140T>C, p.Ile47Thr (NM_001030009.2); short protein forms I47T.
Identifiers: ClinVar variation 3716501 (VCV003716501.2).

ClinVar aggregate classification (germline): Uncertain significance (1 of 4 stars; one submission).

gnomAD v4.1: 11 of 1,605,540 alleles (0.00069%); highest among the groups gnomAD compares: South Asian, 0.0033%; no homozygotes.

Submission:

Labcorp Genetics (formerly Invitae), Labcorp
Classification: Uncertain significance. Last evaluated: 2024-03-26. Review status: criteria provided, single submitter. Criteria: Invitae Variant Classification Sherloc (09022015). Collection method: clinical testing. Allele origin: germline.
Comment: This sequence change replaces isoleucine, which is neutral and non-polar, with threonine, which is neutral and polar, at codon 47 of the RPS15A protein (p.Ile47Thr). This variant is present in population databases (rs779612738, gnomAD 0.006%). This variant has not been reported in the literature in individuals affected with RPS15A-related conditions. An algorithm developed to predict the effect of missense changes on protein structure and function (PolyPhen-2) suggests that this variant is likely to be disruptive. In summary, the available evidence is currently insufficient to determine the role of this variant in disease. Therefore, it has been classified as a Variant of Uncertain Significance.